The following is an entry in ClinVar:

NM_000059.4(BRCA2):c.3971A>C (p.Tyr1324Ser)

Gene: BRCA2 (BRCA2 DNA repair associated; plus strand). Cytogenetic location: 13q13.1.
Variant type: single nucleotide variant.
Coding change: c.3971A>C on transcript NM_000059.4 (MANE Select); coding-DNA position 3971, A replaced by C.
Protein change: p.Tyr1324Ser; replaces tyrosine 1324 with serine.
Molecular consequence: missense variant.
Genome position (GRCh38, 1-based): chr13:32,338,326, A>C. VCF-style: chr13-32338326-A-C. GRCh37 (hg19) VCF-style: chr13-32912463-A-C.
Other names: short protein forms Y1324S.
Identifiers: ClinVar variation 944126 (VCV000944126.12), dbSNP rs1486461236, ClinGen allele CA387778933.

ClinVar aggregate classification (germline): Conflicting classifications of pathogenicity. Review status: criteria provided, conflicting classifications (1 of 4 stars). 3 submissions from 3 submitters: Uncertain significance (1); Likely benign (2). Last evaluated 2023-03-23.

Conditions:
Hereditary cancer-predisposing syndrome. Also called: Hereditary neoplastic syndrome; Hereditary Cancer Syndrome; Neoplastic Syndromes, Hereditary; Tumor predisposition. Identifiers: Orphanet 140162, MedGen C0027672, MeSH D009386, MONDO:0015356.
Hereditary breast ovarian cancer syndrome. Also called: Hereditary breast and/or ovarian cancer syndrome; BRCA1- and BRCA2-Associated Hereditary Breast and Ovarian Cancer; Hereditary breast and ovarian cancer syndrome (HBOC); Breast and ovarian cancer; Hereditary breast and ovarian cancer syndrome; Hereditary breast and ovarian cancer. Identifiers: Orphanet 145, MedGen C0677776, MeSH D061325, MONDO:0003582. Disease mechanism: loss of function.

Submissions (3):

University of Washington Department of Laboratory Medicine, University of Washington
Classification: Likely benign for Hereditary cancer-predisposing syndrome. Last evaluated: 2023-03-23. Review status: criteria provided, single submitter. Criteria: Dines et al. (Genet Med. 2020). Collection method: curation. Allele origin: germline.
Comment: Missense variant in a coldspot region where missense variants are very unlikely to be pathogenic (PMID:31911673).

BRCA2 exon 11 coldspot. Reclassification based on statistical prior probability.

Blueprint Genetics
Classification: Likely benign. Last evaluated: 2022-06-28. Review status: criteria provided, single submitter. Criteria: ACMG Guidelines, 2015. Collection method: clinical testing. Allele origin: germline.

Labcorp Genetics (formerly Invitae), Labcorp
Classification: Uncertain significance for Hereditary breast ovarian cancer syndrome. Last evaluated: 2019-05-25. Review status: criteria provided, single submitter. Criteria: Invitae Variant Classification Sherloc (09022015). Collection method: clinical testing. Allele origin: germline.
Comment: This variant has not been reported in the literature in individuals with BRCA2-related conditions. In summary, the available evidence is currently insufficient to determine the role of this variant in disease. Therefore, it has been classified as a Variant of Uncertain Significance. Algorithms developed to predict the effect of missense changes on protein structure and function output the following: SIFT: "Tolerated"; PolyPhen-2: "Benign"; Align-GVGD: "Class C0". The serine amino acid residue is found in multiple mammalian species, suggesting that this missense change does not adversely affect protein function. These predictions have not been confirmed by published functional studies and their clinical significance is uncertain. This variant is not present in population databases (ExAC no frequency). This sequence change replaces tyrosine with serine at codon 1324 of the BRCA2 protein (p.Tyr1324Ser). The tyrosine residue is weakly conserved and there is a large physicochemical difference between tyrosine and serine.